The following is an entry in ClinVar:

ClinVar aggregate classification (germline): Uncertain significance (1 of 4 stars; one submission).

Submission:

GeneDx
Classification: Uncertain significance. Last evaluated: 2019-10-28. Review status: criteria provided, single submitter. Criteria: GeneDx Variant Classification Process June 2021. Collection method: clinical testing. Allele origin: germline. Affected: yes.
Comment: Not observed in large population cohorts (Lek et al., 2016); In silico analysis, which includes protein predictors and evolutionary conservation, supports a deleterious effect; Has not been previously published as pathogenic or benign to our knowledge

NM_173354.5(SIK1):c.2042C>T (p.Pro681Leu)

Gene: SIK1 (salt inducible kinase 1; minus strand). Cytogenetic location: 21q22.3.
Variant type: single nucleotide variant.
Coding change: c.2042C>T on transcript NM_173354.5 (MANE Select); coding-DNA position 2042, C replaced by T.
Protein change: p.Pro681Leu; replaces proline 681 with leucine.
Molecular consequence: missense variant.
Genome position (GRCh38, 1-based): chr21:43,417,052, G>A on the plus strand (C>T on the coding strand, the complement: SIK1 is on the minus strand). VCF-style: chr21-43417052-G-A. GRCh37 (hg19) VCF-style: chr21-44836932-G-A.
Other names: short protein forms P681L.
Identifiers: ClinVar variation 1309495 (VCV001309495.2), dbSNP rs2146467994, ClinGen allele CA410606766.